The following is an entry in ClinVar:

NM_014236.4(GNPAT):c.438+205T>C

Gene: GNPAT (glyceronephosphate O-acyltransferase; plus strand). Cytogenetic location: 1q42.2.
Variant type: single nucleotide variant.
Coding change: c.438+205T>C on transcript NM_014236.4 (MANE Select); 205 bases into the intron after coding-DNA position 438, T replaced by C.
Molecular consequence: intron variant.
Genome position (GRCh38, 1-based): chr1:231,260,888, T>C. VCF-style: chr1-231260888-T-C. GRCh37 (hg19) VCF-style: chr1-231396634-T-C.
Other names: c.255+205T>C (NM_001316350.2).
Identifiers: ClinVar variation 671164 (VCV000671164.1), dbSNP rs531592, ClinGen allele CA15075249.

ClinVar aggregate classification (germline): Benign (1 of 4 stars; one submission).

Allele frequency attached by ClinVar (database versions not stated): gnomAD 0.49674 and 0.50118; TOPMed 0.50779; 1000 Genomes Project 30x 0.52420; 1000 Genomes Project 0.52516.
gnomAD v4.1: 76,149 of 152,012 alleles (50%); highest among the groups gnomAD compares: South Asian, 58%; 19,258 homozygotes.

Submission:

GeneDx
Classification: Benign. Last evaluated: 2018-06-14. Review status: criteria provided, single submitter. Criteria: GeneDx Variant Classification (06012015). Collection method: clinical testing. Allele origin: germline. Affected: yes.
Comment: This variant is considered likely benign or benign based on one or more of the following criteria: it is a conservative change, it occurs at a poorly conserved position in the protein, it is predicted to be benign by multiple in silico algorithms, and/or has population frequency not consistent with disease.